The following is an entry in ClinVar:

ClinVar aggregate classification (germline): Uncertain significance (1 of 4 stars; one submission).

Conditions:
MHC class II deficiency. Also called: Bare lymphocyte syndrome 2; BLS, TYPE II. Identifiers: Orphanet 572, MedGen C5447452, MONDO:0008855.

Allele frequency attached by ClinVar (database versions not stated): gnomAD exomes 0.00002; TOPMed 0.00005; ExAC 0.00006; gnomAD 0.00002; ESP Exome Variant Server 0.00008.
gnomAD v4.1: 38 of 1,613,858 alleles (0.0024%); highest among the groups gnomAD compares: Middle Eastern, 0.033%; no homozygotes.

Submission:

Labcorp Genetics (formerly Invitae), Labcorp
Classification: Uncertain significance for MHC class II deficiency. Last evaluated: 2022-04-10. Review status: criteria provided, single submitter. Criteria: Invitae Variant Classification Sherloc (09022015). Collection method: clinical testing. Allele origin: germline.
Comment: This sequence change replaces proline, which is neutral and non-polar, with serine, which is neutral and polar, at codon 146 of the CIITA protein (p.Pro146Ser). This variant is present in population databases (rs376464815, gnomAD 0.006%). This variant has not been reported in the literature in individuals affected with CIITA-related conditions. Algorithms developed to predict the effect of missense changes on protein structure and function output the following: SIFT: "Tolerated"; PolyPhen-2: "Benign"; Align-GVGD: "Class C0". The serine amino acid residue is found in multiple mammalian species, which suggests that this missense change does not adversely affect protein function. Algorithms developed to predict the effect of sequence changes on RNA splicing suggest that this variant may disrupt the consensus splice site. In summary, the available evidence is currently insufficient to determine the role of this variant in disease. Therefore, it has been classified as a Variant of Uncertain Significance.

NM_000246.4(CIITA):c.436C>T (p.Pro146Ser)

Gene: CIITA (class II major histocompatibility complex transactivator; plus strand). Cytogenetic location: 16p13.13.
Variant type: single nucleotide variant.
Coding change: c.436C>T on transcript NM_000246.4 (MANE Select); coding-DNA position 436, C replaced by T.
Protein change: p.Pro146Ser; replaces proline 146 with serine.
Molecular consequence: missense variant. On other transcripts: non-coding transcript variant (1).
Genome position (GRCh38, 1-based): chr16:10,899,002, C>T. VCF-style: chr16-10899002-C-T. GRCh37 (hg19) VCF-style: chr16-10992859-C-T.
Other names: c.439C>T, p.Pro147Ser (NM_001286402.1, NM_001379330.1, NM_001379332.1); c.436C>T, p.Pro146Ser (NM_001286403.2, NM_001379331.1, NM_001379333.1); c.367C>T, p.Pro123Ser (NM_001379334.1); short protein forms P146S, P147S, P123S.
Identifiers: ClinVar variation 2202140 (VCV002202140.1), dbSNP rs376464815, ClinGen allele CA7899707.
Genomic context (GRCh38, chr16:10,899,002, plus strand): 5'-GAAGTGATCGGTGAGAGTATGGAGATGCCAGCAGAAGTTGGGCAGAAAAGTCAGAAAAGA[C>T]GTGAGTGAGCCCCTCCCTGATCCAACCTAGCCTTGCTTGAGACCTGGCCTTTCCTTGACT-3'
Protein context (NP_000237.2, residues 136-156): AEVGQKSQKR[Pro146Ser]FPEELPADLK